The following is an entry in ClinVar:

ClinVar aggregate classification (germline): Uncertain significance (1 of 4 stars; one submission).

Submission:

CeGaT Center for Human Genetics Tuebingen
Classification: Uncertain significance. Last evaluated: 2026-03-01. Review status: criteria provided, single submitter. Criteria: CeGaT Center For Human Genetics Tuebingen Variant Classification Criteria Version 2. Collection method: clinical testing. Allele origin: germline. Affected: yes. Observed: 1 variant allele.
Comment: MYH7: PM2

NM_000257.4(MYH7):c.3191A>C (p.Glu1064Ala)

Gene: MYH7 (myosin heavy chain 7; minus strand). Cytogenetic location: 14q11.2.
Variant type: single nucleotide variant.
Coding change: c.3191A>C on transcript NM_000257.4 (MANE Select); coding-DNA position 3191, A replaced by C.
Protein change: p.Glu1064Ala; replaces glutamic acid 1064 with alanine.
Molecular consequence: missense variant.
Genome position (GRCh38, 1-based): chr14:23,422,234, T>G on the plus strand (A>C on the coding strand, the complement: MYH7 is on the minus strand). VCF-style: chr14-23422234-T-G. GRCh37 (hg19) VCF-style: chr14-23891443-T-G.
Other names: c.3191A>C, p.Glu1064Ala (NM_001407004.1); short protein forms E1064A.
Identifiers: ClinVar variation 4822142 (VCV004822142.4).